The following is an entry in ClinVar:

ClinVar aggregate classification (germline): Benign (1 of 4 stars; one submission).

Conditions:
Hyperekplexia 2 (HKPX2). Identifiers: Orphanet 3197, MedGen C3553291, MONDO:0013828, OMIM 614619.

Allele frequency attached by ClinVar (database versions not stated): 1000 Genomes Project 0.01258; 1000 Genomes Project 30x 0.01359; gnomAD 0.01371 and 0.01495; TOPMed 0.01543.

Submission:

Illumina Laboratory Services, Illumina
Classification: Benign for Hyperekplexia 2. Last evaluated: 2018-01-13. Review status: criteria provided, single submitter. Criteria: ICSL Variant Classification Criteria 13 December 2019. Collection method: clinical testing. Allele origin: germline.
Comment: This variant was observed in the ICSL laboratory as part of a predisposition screen in an ostensibly healthy population. It had not been previously curated by ICSL or reported in the Human Gene Mutation Database (HGMD: prior to June 1st, 2018), and was therefore a candidate for classification through an automated scoring system. Utilizing variant allele frequency, disease prevalence and penetrance estimates, and inheritance mode, an automated score was calculated to assess if this variant is too frequent to cause the disease. Based on the score and internal cut-off values, a variant classified as benign is not then subjected to further curation. The score for this variant resulted in a classification of benign for this disease.

NM_000824.5(GLRB):c.*903T>C

Gene: GLRB (glycine receptor beta; plus strand). Cytogenetic location: 4q32.1.
Variant type: single nucleotide variant.
Coding change: c.*903T>C on transcript NM_000824.5 (MANE Select); 903 bases downstream of the stop codon, T replaced by C.
Molecular consequence: 3 prime UTR variant.
Genome position (GRCh38, 1-based): chr4:157,171,631, T>C. VCF-style: chr4-157171631-T-C. GRCh37 (hg19) VCF-style: chr4-158092783-T-C.
Other names: c.*903T>C (NM_001166060.2); c.*1192T>C (NM_001166061.2).
Identifiers: ClinVar variation 347944 (VCV000347944.5), dbSNP rs116140979, ClinGen allele CA10618179.
Genomic context (GRCh38, chr4:157,171,631, plus strand): 5'-GATATGTGATTTTACATCATTTTTAAGAAACCAAGGGGAAGTAATAAGTTGAAAAAGAAA[T>C]CCATAACTATTAAAAGATTTTAACTTTTTTATTTTATTAAAATGCTTGCATATTTTAAGT-3'